The following is an entry in ClinVar:

ClinVar aggregate classification (germline): Uncertain significance. Review status: criteria provided, multiple submitters, no conflicts (2 of 4 stars). 4 submissions from 4 submitters: Uncertain significance (4). Last evaluated 2026-01-12.

Conditions:
Cardiomyopathy (CMYO). Also called: Cardiomyopathies. Identifiers: Orphanet 167848, MedGen C0878544, MONDO:0004994, HP:0001638. Inheritance: Various modes of inheritance.
Hypertrophic cardiomyopathy. Also called: HYPERTROPHIC MYOCARDIOPATHY. Identifiers: Orphanet 217569, MedGen C0007194, MeSH D002312, MONDO:0005045, HP:0001639.

Allele frequency attached by ClinVar (database versions not stated): gnomAD exomes below 0.00001 and 0.00001.
gnomAD v4.1: 14 of 1,614,096 alleles (0.00087%); highest among the groups gnomAD compares: Non-Finnish European, 0.0012%; no homozygotes.

Submissions (4):

Labcorp Genetics (formerly Invitae), Labcorp
Classification: Uncertain significance for Hypertrophic cardiomyopathy. Last evaluated: 2026-01-12. Review status: criteria provided, single submitter. Criteria: Invitae Variant Classification Sherloc (09022015). Collection method: clinical testing. Allele origin: germline.
Comment: This sequence change replaces threonine, which is neutral and polar, with alanine, which is neutral and non-polar, at codon 1019 of the MYH7 protein (p.Thr1019Ala). This variant is present in population databases (rs200714763, gnomAD 0.0009%). This variant has not been reported in the literature in individuals affected with MYH7-related conditions. ClinVar contains an entry for this variant (Variation ID: 191731). Invitae Evidence Modeling of protein sequence and biophysical properties (such as structural, functional, and spatial information, amino acid conservation, physicochemical variation, residue mobility, and thermodynamic stability) has been performed for this missense variant. However, the output from this modeling did not meet the statistical confidence thresholds required to predict the impact of this variant on MYH7 protein function. In summary, the available evidence is currently insufficient to determine the role of this variant in disease. Therefore, it has been classified as a Variant of Uncertain Significance.

All of Us Research Program, National Institutes of Health
Classification: Uncertain significance for Cardiomyopathy. Last evaluated: 2024-05-14. Review status: criteria provided, single submitter. Criteria: ACMG Guidelines, 2015. Collection method: clinical testing. Allele origin: germline. Inheritance: Autosomal dominant inheritance. Observed: 2 variant alleles, 2 heterozygotes.
Comment: This missense variant replaces threonine with alanine at codon 1019 of the MYH7 protein. Computational prediction tools indicate that this variant has a neutral impact on protein structure and function. To our knowledge, functional studies have not been reported for this variant. This variant has not been reported in individuals affected with MYH7-related disorders in the literature. This variant has been identified in 1/251488 chromosomes in the general population by the Genome Aggregation Database (gnomAD). The available evidence is insufficient to determine the role of this variant in disease conclusively. Therefore, this variant is classified as a Variant of Uncertain Significance.

This study involves interpretation of variants in research participants for the purpose of population health screening. Participant phenotype was not available at the time of variant classification. Additional details can be found in publication PMID: 35346344, PMCID: PMC8962531

Laboratory for Molecular Medicine, Mass General Brigham Personalized Medicine
Classification: Uncertain significance. Last evaluated: 2018-01-12. Review status: criteria provided, single submitter. Criteria: LMM Criteria. Collection method: clinical testing. Allele origin: germline. Observed: 1 variant allele.
Comment: The p.Thr1019Ala variant in MYH7 has not been previously reported in individuals with cardiomyopathy, but has been identified in 1/111714 of European chromosome s by the Genome Aggregation Database (gnomAD; dbSNP rs200714763) and in one person in a whole exome sequencing study of indivi duals selected for having no personal or family history of arrhythmia, cardiomyo pathy, or sudden death (Ng 2013). Computational prediction tools and conservatio n analysis suggest that the p.Thr1019Ala variant may not impact the protein, tho ugh this information is not predictive enough to rule out pathogenicity. In summ ary, the clinical significance of the p.Thr1019Ala variant is uncertain. ACMG/AM P Criteria applied: PM2; BP4.

Biesecker Lab/Clinical Genomics Section, National Institutes of Health
Classification: Uncertain significance. Last evaluated: 2013-06-24. Review status: criteria provided, single submitter. Criteria: Ng et al. (Circ Cardiovasc Genet. 2013). Collection method: research. Allele origin: unknown. Observed: 1 variant allele. Study: ClinSeq.
Comment: The study set was not selected for affection status in relation to any cancer. Pathogenicity categories were based on literature curation. See Pubmed ID:23861362 for details.

Medical sequencing

Literature cited by the submitters: PubMed 23861362 (cited by Laboratory for Molecular Medicine, Mass General Brigham Personalized Medicine); PubMed 15769782 (cited by Laboratory for Molecular Medicine, Mass General Brigham Personalized Medicine); PubMed 25342278 (cited by Laboratory for Molecular Medicine, Mass General Brigham Personalized Medicine).

NM_000257.4(MYH7):c.3055A>G (p.Thr1019Ala)

Gene: MYH7 (myosin heavy chain 7; minus strand). Cytogenetic location: 14q11.2.
Variant type: single nucleotide variant.
Coding change: c.3055A>G on transcript NM_000257.4 (MANE Select); coding-DNA position 3055, A replaced by G.
Protein change: p.Thr1019Ala; replaces threonine 1019 with alanine.
Molecular consequence: missense variant.
Genome position (GRCh38, 1-based): chr14:23,423,591, T>C on the plus strand (A>G on the coding strand, the complement: MYH7 is on the minus strand). VCF-style: chr14-23423591-T-C. GRCh37 (hg19) VCF-style: chr14-23892800-T-C.
Other names: short protein forms T1019A.
Identifiers: ClinVar variation 191731 (VCV000191731.6), dbSNP rs200714763, ClinGen allele CA013327.